The following is an entry in ClinVar:

NM_000492.4(CFTR):c.2503G>T (p.Asp835Tyr)

Gene: CFTR (CF transmembrane conductance regulator; plus strand). Cytogenetic location: 7q31.2.
Variant type: single nucleotide variant.
Coding change: c.2503G>T on transcript NM_000492.4 (MANE Select); coding-DNA position 2503, G replaced by T.
Protein change: p.Asp835Tyr; replaces aspartic acid 835 with tyrosine.
Molecular consequence: missense variant.
Genome position (GRCh38, 1-based): chr7:117,594,942, G>T. VCF-style: chr7-117594942-G-T. GRCh37 (hg19) VCF-style: chr7-117234996-G-T.
Other names: short protein forms D835Y.
Identifiers: ClinVar variation 1792284 (VCV001792284.2), dbSNP rs2116039305, ClinGen allele CA368983821.

ClinVar aggregate classification (germline): Uncertain significance (1 of 4 stars; one submission).

Conditions:
Cystic fibrosis (CF). Also called: MUCOVISCIDOSIS. Identifiers: Orphanet 586, MedGen C0010674, MONDO:0009061, OMIM 219700. Disease mechanism: loss of function.

Submission:

Ambry Genetics
Classification: Uncertain significance for Cystic fibrosis. Last evaluated: 2022-09-20. Review status: criteria provided, single submitter. Criteria: Ambry Variant Classification Scheme 2023. Collection method: clinical testing. Allele origin: germline.
Comment: The p.D835Y variant (also known as c.2503G>T), located in coding exon 15 of the CFTR gene, results from a G to T substitution at nucleotide position 2503. The aspartic acid at codon 835 is replaced by tyrosine, an amino acid with highly dissimilar properties. This amino acid position is conserved. In addition, this alteration is predicted to be deleterious by in silico analysis. Since supporting evidence is limited at this time, the clinical significance of this alteration remains unclear.